The following is an entry in ClinVar:

NM_014991.6(WDFY3):c.7978C>T (p.Pro2660Ser)

Gene: WDFY3 (WD repeat and FYVE domain containing 3; minus strand). Cytogenetic location: 4q21.23.
Variant type: single nucleotide variant.
Coding change: c.7978C>T on transcript NM_014991.6 (MANE Select); coding-DNA position 7978, C replaced by T.
Protein change: p.Pro2660Ser; replaces proline 2660 with serine.
Molecular consequence: missense variant.
Genome position (GRCh38, 1-based): chr4:84,713,223, G>A on the plus strand (C>T on the coding strand, the complement: WDFY3 is on the minus strand). VCF-style: chr4-84713223-G-A. GRCh37 (hg19) VCF-style: chr4-85634376-G-A.
Other names: short protein forms P2660S.
Identifiers: ClinVar variation 3381316 (VCV003381316.5).

ClinVar aggregate classification (germline): Uncertain significance. Review status: criteria provided, multiple submitters, no conflicts (2 of 4 stars). 3 submissions from 3 submitters: Uncertain significance (3). Last evaluated 2025-06-12.

Conditions:
Inborn genetic diseases. Identifiers: MedGen C0950123, MeSH D030342.

gnomAD v4.1: 1 of 1,614,094 alleles (0.000062%); highest among the groups gnomAD compares: Non-Finnish European, 0.000085%; no homozygotes.

Submissions (3):

GeneDx
Classification: Uncertain significance. Last evaluated: 2025-06-12. Review status: criteria provided, single submitter. Criteria: GeneDx Variant Classification Process June 2021. Collection method: clinical testing. Allele origin: germline.
Comment: Not observed at significant frequency in large population cohorts (gnomAD); In silico analysis suggests that this missense variant does not alter protein structure/function; Has not been previously published as pathogenic or benign to our knowledge

Ambry Genetics
Classification: Uncertain significance for Inborn genetic diseases. Last evaluated: 2025-02-05. Review status: criteria provided, single submitter. Criteria: Ambry Variant Classification Scheme 2023. Collection method: clinical testing. Allele origin: germline.

Labcorp Genetics (formerly Invitae), Labcorp
Classification: Uncertain significance. Last evaluated: 2024-10-25. Review status: criteria provided, single submitter. Criteria: Invitae Variant Classification Sherloc (09022015). Collection method: clinical testing. Allele origin: germline.
Comment: This sequence change replaces proline, which is neutral and non-polar, with serine, which is neutral and polar, at codon 2660 of the WDFY3 protein (p.Pro2660Ser). This variant is present in population databases (no rsID available, gnomAD 0.0009%). This variant has not been reported in the literature in individuals affected with WDFY3-related conditions. Invitae Evidence Modeling of protein sequence and biophysical properties (such as structural, functional, and spatial information, amino acid conservation, physicochemical variation, residue mobility, and thermodynamic stability) indicates that this missense variant is not expected to disrupt WDFY3 protein function with a negative predictive value of 80%. In summary, the available evidence is currently insufficient to determine the role of this variant in disease. Therefore, it has been classified as a Variant of Uncertain Significance.